The following is an entry in ClinVar:

ClinVar aggregate classification (germline): Conflicting classifications of pathogenicity. Review status: criteria provided, conflicting classifications (1 of 4 stars). 2 submissions from 2 submitters: Uncertain significance (1); Benign (1). Last evaluated 2026-04-11.

Conditions:
Inborn genetic diseases. Identifiers: MedGen C0950123, MeSH D030342.
Intellectual developmental disorder, X-linked 1. Also called: Atkin Flaitz Patil Smith syndrome; MENTAL RETARDATION, X-LINKED 18; MENTAL RETARDATION, X-LINKED 78; Intellectual disability, X-linked 1. Identifiers: Orphanet 777, MedGen C2931498, MONDO:0010656, OMIM 309530.

Allele frequency attached by ClinVar (database versions not stated): gnomAD exomes 0.00001; TOPMed 0.00001; ExAC 0.00004; ESP Exome Variant Server 0.00019.
gnomAD v4.1: 7 of 1,210,732 alleles (0.00058%); highest among the groups gnomAD compares: Non-Finnish European, 0.00078%; no homozygotes.

Submissions (2):

Ambry Genetics
Classification: Uncertain significance for Inborn genetic diseases. Last evaluated: 2026-04-11. Review status: criteria provided, single submitter. Criteria: Ambry Variant Classification Scheme 2023. Collection method: clinical testing. Allele origin: germline.
Comment: The c.2618G>A (p.R873H) alteration is located in exon 8 (coding exon 8) of the IQSEC2 gene. This alteration results from a G to A substitution at nucleotide position 2618, causing the arginine (R) at amino acid position 873 to be replaced by a histidine (H). Based on data from gnomAD, the A allele has an overall frequency of 0.001% (2/181724) total alleles studied. The highest observed frequency was 0.007% (1/13804) of East Asian alleles. Based on insufficient or conflicting evidence, the clinical significance of this alteration remains unclear.

Labcorp Genetics (formerly Invitae), Labcorp
Classification: Benign for Intellectual developmental disorder, X-linked 1. Last evaluated: 2024-04-17. Review status: criteria provided, single submitter. Criteria: Invitae Variant Classification Sherloc (09022015). Collection method: clinical testing. Allele origin: germline.

NM_001111125.3(IQSEC2):c.2618G>A (p.Arg873His)

Gene: IQSEC2 (IQ motif and Sec7 domain ArfGEF 2; minus strand). Cytogenetic location: Xp11.22.
Variant type: single nucleotide variant.
Coding change: c.2618G>A on transcript NM_001111125.3 (MANE Select); coding-DNA position 2618, G replaced by A.
Protein change: p.Arg873His; replaces arginine 873 with histidine.
Molecular consequence: missense variant.
Genome position (GRCh38, 1-based): chrX:53,247,100, C>T on the plus strand (G>A on the coding strand, the complement: IQSEC2 is on the minus strand). VCF-style: chrX-53247100-C-T. GRCh37 (hg19) VCF-style: chrX-53276282-C-T.
Other names: c.2003G>A, p.Arg668His (NM_015075.2); short protein forms R873H, R668H.
Identifiers: ClinVar variation 723020 (VCV000723020.12), dbSNP rs370830356, ClinGen allele CA10419901.